The following is an entry in ClinVar:

NM_017415.3(KLHL3):c.299C>T (p.Thr100Met)

Gene: KLHL3 (kelch like family member 3; minus strand). Cytogenetic location: 5q31.2.
Variant type: single nucleotide variant.
Coding change: c.299C>T on transcript NM_017415.3 (MANE Select); coding-DNA position 299, C replaced by T.
Protein change: p.Thr100Met; replaces threonine 100 with methionine.
Molecular consequence: missense variant.
Genome position (GRCh38, 1-based): chr5:137,698,351, G>A on the plus strand (C>T on the coding strand, the complement: KLHL3 is on the minus strand). VCF-style: chr5-137698351-G-A. GRCh37 (hg19) VCF-style: chr5-137034040-G-A.
Other names: p.Thr100Met; c.203C>T, p.Thr68Met (NM_001257194.1); c.53C>T, p.Thr18Met (NM_001257195.2); short protein forms T100M, T18M, T68M.
Identifiers: ClinVar variation 2075243 (VCV002075243.7), dbSNP rs756804876, ClinGen allele CA3422523.

ClinVar aggregate classification (germline): Uncertain significance. Review status: criteria provided, multiple submitters, no conflicts (2 of 4 stars). 3 submissions from 3 submitters: Uncertain significance (3). Last evaluated 2025-08-23.

Conditions:
Inborn genetic diseases. Identifiers: MedGen C0950123, MeSH D030342.

Allele frequency attached by ClinVar (database versions not stated): gnomAD exomes 0.00027; gnomAD 0.00007; ExAC 0.00003; TOPMed 0.00012.

Submissions (3):

Ambry Genetics
Classification: Uncertain significance for Inborn genetic diseases. Last evaluated: 2025-08-23. Review status: criteria provided, single submitter. Criteria: Ambry Variant Classification Scheme 2023. Collection method: clinical testing. Allele origin: germline.

Mayo Clinic Laboratories, Mayo Clinic
Classification: Uncertain significance. Last evaluated: 2023-02-13. Review status: criteria provided, single submitter. Criteria: ACMG Guidelines, 2015. Collection method: clinical testing. Allele origin: germline. Observed: 1 variant allele.
Comment: PP2

Labcorp Genetics (formerly Invitae), Labcorp
Classification: Uncertain significance. Last evaluated: 2022-07-25. Review status: criteria provided, single submitter. Criteria: Invitae Variant Classification Sherloc (09022015). Collection method: clinical testing. Allele origin: germline.
Comment: This sequence change replaces threonine, which is neutral and polar, with methionine, which is neutral and non-polar, at codon 100 of the KLHL3 protein (p.Thr100Met). This variant is present in population databases (rs756804876, gnomAD 0.01%). This variant has not been reported in the literature in individuals affected with KLHL3-related conditions. Algorithms developed to predict the effect of missense changes on protein structure and function are either unavailable or do not agree on the potential impact of this missense change (SIFT: "Deleterious"; PolyPhen-2: "Possibly Damaging"; Align-GVGD: "Class C0"). In summary, the available evidence is currently insufficient to determine the role of this variant in disease. Therefore, it has been classified as a Variant of Uncertain Significance.